The following is an entry in ClinVar:

NM_024079.5(ALG8):c.898+6G>C

Gene: ALG8 (ALG8 alpha-1,3-glucosyltransferase; minus strand). Cytogenetic location: 11q14.1.
Variant type: single nucleotide variant.
Coding change: c.898+6G>C on transcript NM_024079.5 (MANE Select); 6 bases into the intron after coding-DNA position 898, G replaced by C.
Molecular consequence: intron variant.
Genome position (GRCh38, 1-based): chr11:78,112,644, C>G on the plus strand (G>C on the coding strand, the complement: ALG8 is on the minus strand). VCF-style: chr11-78112644-C-G. GRCh37 (hg19) VCF-style: chr11-77823690-C-G.
Other names: c.634+6G>C (NM_001425234.1, NM_001425239.1); c.697+6G>C (NM_001425231.1); c.745+6G>C (NM_001425235.1, NM_001425226.1, NM_001425236.1); c.883+6G>C (NM_001425220.1); c.382+6G>C (NM_001425241.1); c.547-5698G>C (NM_001425240.1); c.343+6G>C (NM_001425242.1); c.794+6G>C (NM_001425238.1); and 5 more.
Identifiers: ClinVar variation 4737796 (VCV004737796.1).
Genomic context (GRCh38, chr11:78,112,644, plus strand): 5'-CATTTCTCCATGTGCCTAAGTCCTTTCAATATTCAGAGTCTGAGTAAAAAATGCTCGCTA[C>G]CATACCGATGACAGACAGCACTTTGTCCAAAGCATTGTACAAAGCCCAGAAGTTTGGAGC-3'

ClinVar aggregate classification (germline): Uncertain significance (1 of 4 stars; one submission).

Conditions:
ALG8 congenital disorder of glycosylation. Also called: CONGENITAL DISORDER OF GLYCOSYLATION, TYPE Ih; ALG8-CDG; CDG Ih. Identifiers: Orphanet 79325, MedGen C2931002, MONDO:0011969, OMIM 608104.

gnomAD v4.1: 3 of 1,613,574 alleles (0.00019%); highest among the groups gnomAD compares: Non-Finnish European, 0.00025%; no homozygotes.

Submission:

Labcorp Genetics (formerly Invitae), Labcorp
Classification: Uncertain significance for ALG8 congenital disorder of glycosylation. Last evaluated: 2025-12-23. Review status: criteria provided, single submitter. Criteria: Invitae Variant Classification Sherloc (09022015). Collection method: clinical testing. Allele origin: germline.
Comment: This sequence change falls in intron 8 of the ALG8 gene. It does not directly change the encoded amino acid sequence of the ALG8 protein. It affects a nucleotide within the consensus splice site. This variant is present in population databases (no rsID available, gnomAD no frequency). This variant has not been reported in the literature in individuals affected with ALG8-related conditions. Variants that disrupt the consensus splice site are a relatively common cause of aberrant splicing (PMID: 17576681, 9536098). Algorithms developed to predict the effect of sequence changes on RNA splicing suggest that this variant is not likely to affect RNA splicing. In summary, the available evidence is currently insufficient to determine the role of this variant in disease. Therefore, it has been classified as a Variant of Uncertain Significance.

Literature cited by the submitters: PubMed 17576681; PubMed 9536098.